The following is an entry in ClinVar:

ClinVar aggregate classification (germline): Benign (1 of 4 stars; one submission).

Conditions:
Pheochromocytoma/paraganglioma syndrome 4. Also called: CAROTID BODY TUMORS AND MULTIPLE EXTRAADRENAL PHEOCHROMOCYTOMAS; PARAGANGLIOMA, FAMILIAL MALIGNANT; PARAGANGLIOMAS, HEREDITARY EXTRAADRENAL; PHEOCHROMOCYTOMA, FAMILIAL EXTRAADRENAL; Paragangliomas 4; SDHB-Related Hereditary Paraganglioma-Pheochromocytoma Syndrome (Paragangliomas 4). Identifiers: Orphanet 29072, MedGen C1861848, MONDO:0007273, OMIM 115310.

Submission:

Myriad Genetics, Inc.
Classification: Benign for Pheochromocytoma/paraganglioma syndrome 4. Last evaluated: 2025-03-11. Review status: criteria provided, single submitter. Criteria: Myriad Autosomal Dominant, Autosomal Recessive and X-Linked Classification Criteria (2023). Collection method: clinical testing. Allele origin: unknown.
Comment: This variant is considered benign. This variant is a silent/synonymous amino acid change and it is not expected to impact splicing.

NM_003000.3(SDHB):c.15_18delinsTGCA (p.Val5_Ala6=)

Gene: SDHB (succinate dehydrogenase complex iron sulfur subunit B; minus strand). Cytogenetic location: 1p36.13.
Variant type: Indel.
Coding change: c.15_18delinsTGCA on transcript NM_003000.3 (MANE Select); coding-DNA positions 15 to 18, CGCC replaced by TGCA.
Protein change: p.Val5_Ala6=.
Molecular consequence: synonymous variant.
Genome position (GRCh38, 1-based): chr1:17,054,002-17,054,005, GGCG replaced by TGCA on the plus strand (CGCC replaced by TGCA on the coding strand, the reverse complement: SDHB is on the minus strand). VCF-style: chr1-17054002-GGCG-TGCA. GRCh37 (hg19) VCF-style: chr1-17380497-GGCG-TGCA.
Other names: c.15_18delinsTGCA, p.Val5_Ala6= (NM_001407361.1).
Identifiers: ClinVar variation 3904411 (VCV003904411.1).
Genomic context (GRCh38, chr1:17,054,002, plus strand): 5'-ACTCACCTGCAGGCAGGCTCCGCCAAGGGTTGTGGCCGGCAACCGGCGCCTCAAGGAGAG[GGCG>TGCA]ACCACCGCCGCCATCTTGGCTCCTGACGTCAGCCCCACCCCTTAACCCCGAGGTCGCTCT-3'